The following is an entry in ClinVar:

ClinVar aggregate classification (germline): Uncertain significance (1 of 4 stars; one submission).

Conditions:
Pityriasis rubra pilaris (PRP). Also called: Pityriasis rubra pilaris--familial type. Identifiers: Orphanet 2897, MedGen C0032027, MONDO:0100017, OMIM 173200, MONDO:0008251.
Psoriasis 2. Identifiers: MedGen C1864497, MONDO:0011269, OMIM 602723.

Allele frequency attached by ClinVar (database versions not stated): TOPMed below 0.00001; gnomAD 0.00001; ExAC 0.00007.
gnomAD v4.1: 81 of 1,601,164 alleles (0.0051%); highest among the groups gnomAD compares: Non-Finnish European, 0.0066%; no homozygotes.

Submission:

Labcorp Genetics (formerly Invitae), Labcorp
Classification: Uncertain significance for Pityriasis rubra pilaris; Psoriasis 2. Last evaluated: 2025-05-22. Review status: criteria provided, single submitter. Criteria: Invitae Variant Classification Sherloc (09022015). Collection method: clinical testing. Allele origin: germline.
Comment: This sequence change replaces arginine, which is basic and polar, with histidine, which is basic and polar, at codon 986 of the CARD14 protein (p.Arg986His). The frequency data for this variant in the population databases is considered unreliable, as metrics indicate poor data quality at this position in the gnomAD database. This variant has not been reported in the literature in individuals affected with CARD14-related conditions. ClinVar contains an entry for this variant (Variation ID: 2930806). Invitae Evidence Modeling of protein sequence and biophysical properties (such as structural, functional, and spatial information, amino acid conservation, physicochemical variation, residue mobility, and thermodynamic stability) indicates that this missense variant is not expected to disrupt CARD14 protein function with a negative predictive value of 95%. In summary, the available evidence is currently insufficient to determine the role of this variant in disease. Therefore, it has been classified as a Variant of Uncertain Significance.

NM_001366385.1(CARD14):c.2957G>A (p.Arg986His)

Genes: SGSH (N-sulfoglucosamine sulfohydrolase; minus strand), CARD14 (caspase recruitment domain family member 14; plus strand). Cytogenetic location: 17q25.3.
Variant type: single nucleotide variant.
Coding change: c.2957G>A on transcript NM_001366385.1 (MANE Select); coding-DNA position 2957, G replaced by A.
Protein change: p.Arg986His; replaces arginine 986 with histidine.
Molecular consequence: missense variant. On other transcripts: non-coding transcript variant (1).
Genome position (GRCh38, 1-based): chr17:80,208,287, G>A. VCF-style: chr17-80208287-G-A. GRCh37 (hg19) VCF-style: chr17-78182086-G-A.
Other names: c.2957G>A, p.Arg986His (NM_024110.4); short protein forms R986H.
Identifiers: ClinVar variation 2930806 (VCV002930806.3), dbSNP rs748377540, ClinGen allele CA8817518.
Genomic context (GRCh38, chr17:80,208,287, plus strand): 5'-TATACAGCAGCCTGGCTCCTGACGGCTGGAGCGACCTGGACGGCCTGCTCAGCTGTGTCC[G>A]CCAGGCCATCGCCGACGAGCAGAAGAAGGTGGTGTGGACGGAGCAGAGCCCCCGATGATG-3'
Protein context (NP_001353314.1, residues 976-996): SDLDGLLSCV[Arg986His]QAIADEQKKV